The following is an entry in ClinVar:

ClinVar aggregate classification (germline): Uncertain significance (1 of 4 stars; one submission).

Conditions:
Inborn genetic diseases. Identifiers: MedGen C0950123, MeSH D030342.

Submission:

Ambry Genetics
Classification: Uncertain significance for Inborn genetic diseases. Last evaluated: 2025-10-09. Review status: criteria provided, single submitter. Criteria: Ambry Variant Classification Scheme 2023. Collection method: clinical testing. Allele origin: germline.
Comment: The c.1275C>A (p.F425L) alteration is located in exon 10 (coding exon 10) of the KDM5C gene. This alteration results from a C to A substitution at nucleotide position 1275, causing the phenylalanine (F) at amino acid position 425 to be replaced by a leucine (L). This variant was not reported in population-based cohorts in the Genome Aggregation Database (gnomAD). This amino acid position is highly conserved in available vertebrate species. This alteration is predicted to be deleterious by in silico analysis. Based on insufficient or conflicting evidence, the clinical significance of this alteration remains unclear.

NM_004187.5(KDM5C):c.1275C>A (p.Phe425Leu)

Gene: KDM5C (lysine demethylase 5C; minus strand). Cytogenetic location: Xp11.22.
Variant type: single nucleotide variant.
Coding change: c.1275C>A on transcript NM_004187.5 (MANE Select); coding-DNA position 1275, C replaced by A.
Protein change: p.Phe425Leu; replaces phenylalanine 425 with leucine.
Molecular consequence: missense variant. On other transcripts: non-coding transcript variant (3).
Genome position (GRCh38, 1-based): chrX:53,211,623, G>T on the plus strand (C>A on the coding strand, the complement: KDM5C is on the minus strand). VCF-style: chrX-53211623-G-T. GRCh37 (hg19) VCF-style: chrX-53240805-G-T.
Other names: c.1074C>A, p.Phe358Leu (NM_001146702.2); c.1272C>A, p.Phe424Leu (NM_001282622.3, NM_001353979.2, NM_001353982.2); c.1275C>A, p.Phe425Leu (NM_001353978.3, NM_001353981.2, NM_001353984.2); short protein forms F424L, F358L, F425L.
Identifiers: ClinVar variation 4042374 (VCV004042374.2).